The following is an entry in ClinVar:

ClinVar aggregate classification (germline): Pathogenic/Likely pathogenic. Review status: criteria provided, multiple submitters, no conflicts (2 of 4 stars). 8 submissions from 8 submitters: Pathogenic (7); Likely pathogenic (1). Last evaluated 2026-01-19.

Conditions:
SLC12A3-related disorder. Also called: SLC12A3-related condition.
Familial hypokalemia-hypomagnesemia (GTLMNS). Also called: POTASSIUM AND MAGNESIUM DEPLETION; gitelman syndrome; HYPOMAGNESEMIA-HYPOKALEMIA, PRIMARY RENOTUBULAR, WITH HYPOCALCIURIA. Identifiers: Orphanet 358, MedGen C0268450, MONDO:0009904, OMIM 263800.

Allele frequency attached by ClinVar (database versions not stated): ExAC 0.00002; TOPMed 0.00002; gnomAD 0.00005 and 0.00006.
gnomAD v4.1: 20 of 1,613,558 alleles (0.0012%); highest among the groups gnomAD compares: African/African-American, 0.0027%; no homozygotes.

Submissions (8):

PreventionGenetics, part of Exact Sciences
Classification: Pathogenic for SLC12A3-related condition. Last evaluated: 2026-01-19. Review status: criteria provided, single submitter. Criteria: ACMG Guidelines, 2015. Collection method: clinical testing. Allele origin: germline.
Comment: The SLC12A3 c.482G>A variant is predicted to result in premature protein termination (p.Trp161*). This variant has been reported, along with another variant in SLC12A3 (phase unknown), in an individual with Gitelman syndrome (Table S1, Roser et al. 2009. PubMed ID: 19349556). This variant is reported in 0.0062% of alleles in individuals of European (Non-Finnish) descent in gnomAD and is interpreted as pathogenic in ClinVar (Variation ID: 939124). Nonsense variants in SLC12A3 are expected to be pathogenic. Taken together, this variant is interpreted as pathogenic.

Natera, Inc.
Classification: Likely pathogenic for Gitelman syndrome. Last evaluated: 2025-08-06. Review status: criteria provided, single submitter. Criteria: Natera Variant Classification Schema (03/2026). Collection method: clinical testing. Allele origin: germline.
Comment: The c.482G>A variant in SLC12A3 is a nonsense variant predicted to introduce a stop codon at amino acid 161. This variant is expected to result in nonsense mediated decay, truncation, or a dysfunctional protein product. This variant is rare in the general population with a frequency below the threshold expected for the associated phenotype(s). Given the available evidence, this variant is classified as Likely Pathogenic.

Labcorp Genetics (formerly Invitae), Labcorp
Classification: Pathogenic. Last evaluated: 2024-12-04. Review status: criteria provided, single submitter. Criteria: Invitae Variant Classification Sherloc (09022015). Collection method: clinical testing. Allele origin: germline.
Comment: This sequence change creates a premature translational stop signal (p.Trp161*) in the SLC12A3 gene. It is expected to result in an absent or disrupted protein product. Loss-of-function variants in SLC12A3 are known to be pathogenic (PMID: 20848653, 22009145, 25841442). This variant is present in population databases (rs201190064, gnomAD 0.006%). This premature translational stop signal has been observed in individual(s) with Gitelman syndrome (PMID: 19349556). ClinVar contains an entry for this variant (Variation ID: 939124). For these reasons, this variant has been classified as Pathogenic.

Women's Health and Genetics/Laboratory Corporation of America, LabCorp
Classification: Pathogenic for Familial hypokalemia-hypomagnesemia. Last evaluated: 2024-07-02. Review status: criteria provided, single submitter. Criteria: LabCorp Variant Classification Summary - May 2015. Collection method: clinical testing. Allele origin: germline.
Comment: Variant summary: SLC12A3 c.482G>A (p.Trp161X) results in a premature termination codon, predicted to cause absence of the protein due to nonsense mediated decay, which is a commonly known mechanism for disease. The variant allele was found at a frequency of 1.2e-05 in 249686 control chromosomes, predominantly at a frequency of 2.7e-05 within the Non-Finnish European subpopulation in the gnomAD database. c.482G>A has been reported in the literature in at-least one individual affected with Gitelman Syndrome (example, Roser_2009). These data do not allow any conclusion about variant significance. To our knowledge, no experimental evidence demonstrating an impact on protein function has been reported. The following publication has been ascertained in the context of this evaluation (PMID: 19349556). ClinVar contains an entry for this variant (Variation ID: 939124). Based on the evidence outlined above, the variant was classified as pathogenic.

Fulgent Genetics
Classification: Pathogenic for Familial hypokalemia-hypomagnesemia. Last evaluated: 2024-01-15. Review status: criteria provided, single submitter. Criteria: ACMG Guidelines, 2015. Collection method: clinical testing. Allele origin: germline.

GeneDx
Classification: Pathogenic. Last evaluated: 2023-05-31. Review status: criteria provided, single submitter. Criteria: GeneDx Variant Classification Process June 2021. Collection method: clinical testing. Allele origin: germline. Affected: yes.
Comment: Nonsense variant predicted to result in protein truncation or nonsense mediated decay in a gene for which loss-of-function is a known mechanism of disease; This variant is associated with the following publications: (PMID: 19349556)

Blueprint Genetics
Classification: Pathogenic for SLC12A3-related disorders. Last evaluated: 2022-06-20. Review status: criteria provided, single submitter. Criteria: ACMG Guidelines, 2015. Collection method: clinical testing. Allele origin: germline. Affected: yes. Observed: 1 variant allele.

Genome-Nilou Lab
Classification: Pathogenic for Familial hypokalemia-hypomagnesemia. Last evaluated: 2021-07-15. Review status: criteria provided, single submitter. Criteria: ACMG Guidelines, 2015. Collection method: clinical testing. Allele origin: germline. Affected: no.

Literature cited by the submitters: PubMed 20848653 (cited by Labcorp Genetics (formerly Invitae), Labcorp); PubMed 22009145 (cited by Labcorp Genetics (formerly Invitae), Labcorp); PubMed 25841442 (cited by Labcorp Genetics (formerly Invitae), Labcorp); PubMed 19349556 (cited by Labcorp Genetics (formerly Invitae), Labcorp and Women's Health and Genetics/Laboratory Corporation of America, LabCorp).

NM_001126108.2(SLC12A3):c.482G>A (p.Trp161Ter)

Gene: SLC12A3 (solute carrier family 12 member 3; plus strand). Cytogenetic location: 16q13.
Variant type: single nucleotide variant.
Coding change: c.482G>A on transcript NM_001126108.2 (MANE Select); coding-DNA position 482, G replaced by A.
Protein change: p.Trp161Ter; replaces tryptophan 161 with a stop codon.
Molecular consequence: nonsense.
Genome position (GRCh38, 1-based): chr16:56,868,349, G>A. VCF-style: chr16-56868349-G-A. GRCh37 (hg19) VCF-style: chr16-56902261-G-A.
Other names: c.482G>A, p.Trp161Ter (NM_000339.3); c.479G>A, p.Trp160Ter (NM_001126107.2); short protein forms W160*, W161*.
Identifiers: ClinVar variation 939124 (VCV000939124.19), dbSNP rs201190064, ClinGen allele CA8069055.